The following is an entry in ClinVar:

NM_000059.4(BRCA2):c.8343C>T (p.Asn2781=)

Gene: BRCA2 (BRCA2 DNA repair associated; plus strand). Cytogenetic location: 13q13.1.
Variant type: single nucleotide variant.
Coding change: c.8343C>T on transcript NM_000059.4 (MANE Select); coding-DNA position 8343, C replaced by T.
Protein change: p.Asn2781=; no amino-acid change (asparagine 2781 retained).
Molecular consequence: synonymous variant.
Genome position (GRCh38, 1-based): chr13:32,370,413, C>T. VCF-style: chr13-32370413-C-T. GRCh37 (hg19) VCF-style: chr13-32944550-C-T.
Identifiers: ClinVar variation 433824 (VCV000433824.8), dbSNP rs1555287607, ClinGen allele CA483261170.
Genomic context (GRCh38, chr13:32,370,413, plus strand): 5'-TTGAATACATATTTAACTACTAAATCAATATATTTATTAATTTGTCCAGATTTCTGCTAA[C>T]AGTACTCGGCCTGCTCGCTGGTATACCAAACTTGGATTCTTTCCTGACCCTAGACCTTTT-3'
Protein context (NP_000050.3, residues 2771-2791): PESLMLKISA[Asn2781=]STRPARWYTK

ClinVar aggregate classification (germline): Likely benign. Review status: criteria provided, multiple submitters, no conflicts (2 of 4 stars). 4 submissions from 4 submitters: Likely benign (3). 1 of the submissions does not count toward it. Last evaluated 2026-01-13.

Conditions:
Hereditary cancer-predisposing syndrome. Also called: Hereditary Cancer Syndrome; Hereditary neoplastic syndrome; Neoplastic Syndromes, Hereditary; Tumor predisposition. Identifiers: Orphanet 140162, MedGen C0027672, MeSH D009386, MONDO:0015356.
Hereditary breast ovarian cancer syndrome. Also called: Hereditary breast and ovarian cancer syndrome (HBOC); Breast and ovarian cancer; BRCA1- and BRCA2-Associated Hereditary Breast and Ovarian Cancer; Hereditary breast and/or ovarian cancer syndrome; Hereditary breast and ovarian cancer; Hereditary breast and ovarian cancer syndrome. Identifiers: Orphanet 145, MedGen C0677776, MeSH D061325, MONDO:0003582. Disease mechanism: loss of function.

Submissions (4):

Labcorp Genetics (formerly Invitae), Labcorp
Classification: Likely benign for Hereditary breast ovarian cancer syndrome. Last evaluated: 2026-01-13. Review status: criteria provided, single submitter. Criteria: Invitae Variant Classification Sherloc (09022015). Collection method: clinical testing. Allele origin: germline.

Ambry Genetics
Classification: Likely benign for Hereditary cancer-predisposing syndrome. Last evaluated: 2023-07-05. Review status: criteria provided, single submitter. Criteria: Ambry Variant Classification Scheme 2023. Collection method: clinical testing. Allele origin: germline.

Color Diagnostics, LLC DBA Color Health
Classification: Likely benign for Hereditary cancer-predisposing syndrome. Last evaluated: 2018-05-11. Review status: criteria provided, single submitter. Criteria: ACMG Guidelines, 2015. Collection method: clinical testing. Allele origin: germline.

Department of Pathology and Laboratory Medicine, Sinai Health System
Classification: Likely benign. Review status: no assertion criteria provided. Collection method: clinical testing. Allele origin: unknown. Affected: yes. Observed: 1 variant allele. Study: The Canadian Open Genetics Repository (COGR). Not counted in ClinVar's aggregate classification.
Comment: The BRCA2 p.Asn2781Asn variant was not identified in the literature, nor was it identified in the dbSNP, 1000 Genomes Project, NHLBI Exome Sequencing Project, HGMD, LOVD, COSMIC, UMD or BIC databases. The variant is not expected to have clinical significance because it does not result in a change of amino acid and is not located in a known consensus splice site. In summary, based on the above information, the clinical significance of this variant cannot be determined with certainty at this time although we would lean towards a more benign role for this variant. This variant is classified as predicted benign.